The following is an entry in ClinVar:

NM_015338.6(ASXL1):c.3634T>C (p.Ser1212Pro)

Gene: ASXL1 (ASXL transcriptional regulator 1; plus strand). Cytogenetic location: 20q11.21.
Variant type: single nucleotide variant.
Coding change: c.3634T>C on transcript NM_015338.6 (MANE Select); coding-DNA position 3634, T replaced by C.
Protein change: p.Ser1212Pro; replaces serine 1212 with proline.
Molecular consequence: missense variant.
Genome position (GRCh38, 1-based): chr20:32,436,346, T>C. VCF-style: chr20-32436346-T-C. GRCh37 (hg19) VCF-style: chr20-31024149-T-C.
Other names: c.3451T>C, p.Ser1151Pro (NM_001363734.1); short protein forms S1151P, S1212P.
Identifiers: ClinVar variation 4825185 (VCV004825185.1).

ClinVar aggregate classification (germline): Uncertain significance (1 of 4 stars; one submission).

Conditions:
Inborn genetic diseases. Identifiers: MedGen C0950123, MeSH D030342.

Submission:

Ambry Genetics
Classification: Uncertain significance for Inborn genetic diseases. Last evaluated: 2026-01-17. Review status: criteria provided, single submitter. Criteria: Ambry Variant Classification Scheme 2023. Collection method: clinical testing. Allele origin: germline.
Comment: The p.S1212P variant (also known as c.3634T>C), located in coding exon 13 of the ASXL1 gene, results from a T to C substitution at nucleotide position 3634. The serine at codon 1212 is replaced by proline, an amino acid with similar properties. This amino acid position is conserved. In addition, this alteration is predicted to be tolerated by in silico analysis. Based on the available evidence, the clinical significance of this variant remains unclear.